The following is an entry in ClinVar:

ClinVar aggregate classification (germline): Likely pathogenic. Review status: criteria provided, multiple submitters, no conflicts (2 of 4 stars). 2 submissions from 2 submitters: Likely pathogenic (2). Last evaluated 2023-03-24.

Conditions:
Dilated cardiomyopathy 1G (CMD1G). Identifiers: Orphanet 154, MedGen C1858763, MONDO:0011400, OMIM 604145.
Autosomal recessive limb-girdle muscular dystrophy type 2J (LGMDR10). Also called: Limb-girdle muscular dystrophy, type 2J; MUSCULAR DYSTROPHY, LIMB-GIRDLE, AUTOSOMAL RECESSIVE 10. Identifiers: Orphanet 140922, MedGen C1837342, MONDO:0012127, OMIM 608807.

Submissions (2):

Labcorp Genetics (formerly Invitae), Labcorp
Classification: Likely pathogenic for Dilated cardiomyopathy 1G; Autosomal recessive limb-girdle muscular dystrophy type 2J. Last evaluated: 2023-03-24. Review status: criteria provided, single submitter. Criteria: Invitae Variant Classification Sherloc (09022015). Collection method: clinical testing. Allele origin: germline.
Comment: This variant has not been reported in the literature in individuals affected with TTN-related conditions. This sequence change creates a premature translational stop signal (p.Arg22427Glufs*32) in the TTN gene. While this is not anticipated to result in nonsense mediated decay, it is expected to create a truncated TTN protein. This variant is not present in population databases (gnomAD no frequency). ClinVar contains an entry for this variant (Variation ID: 1162940). This variant is located in the A band of TTN (PMID: 25589632). Truncating variants in this region are significantly overrepresented in patients affected with dilated cardiomyopathy (PMID: 25589632). Truncating variants in this region have also been reported in individuals affected with autosomal recessive centronuclear myopathy (PMID: 23975875). In summary, the currently available evidence indicates that the variant is pathogenic, but additional data are needed to prove that conclusively. Therefore, this variant has been classified as Likely Pathogenic.

Mayo Clinic Laboratories, Mayo Clinic
Classification: Likely pathogenic. Last evaluated: 2019-06-23. Review status: criteria provided, single submitter. Criteria: ACMG Guidelines, 2015. Collection method: clinical testing. Allele origin: germline. Observed: 1 variant allele.
Comment: PVS1, PM2

Literature cited by the submitters: PubMed 25589632 (cited by Labcorp Genetics (formerly Invitae), Labcorp); PubMed 23975875 (cited by Labcorp Genetics (formerly Invitae), Labcorp).

NM_001267550.2(TTN):c.67279del (p.Arg22427fs)

Genes: TTN-AS1 (TTN antisense RNA 1; plus strand), TTN (titin; minus strand). Cytogenetic location: 2q31.2.
Variant type: Deletion.
Coding change: c.67279del on transcript NM_001267550.2 (MANE Select); coding-DNA position 67279, one base deleted (C; older notation c.67279delC).
Protein change: p.Arg22427fs; shifts the reading frame from arginine 22427.
Molecular consequence: frameshift variant.
Genome position (GRCh38, 1-based): chr2:178,580,008, G deleted on the plus strand (C on the coding strand, the reverse complement: TTN is on the minus strand); the first of 2 consecutive G bases (chr2:178,580,008-178,580,009); deleting either gives the same sequence. VCF-style (leftmost placement, unchanged base first): chr2-178580007-CG-C. GRCh37 (hg19) VCF-style: chr2-179444734-CG-C.
Other names: c.62356del, p.Arg20786fs (NM_001256850.1); c.40084del, p.Arg13362fs (NM_003319.4); c.59575del, p.Arg19859fs (NM_133378.4); c.40459del, p.Arg13487fs (NM_133432.3); c.40660del, p.Arg13554fs (NM_133437.4); c.62356delC (NM_001256850.1); short protein forms R13362fs, R13487fs, R13554fs, R19859fs, R20786fs, R22427fs.
Identifiers: ClinVar variation 1162940 (VCV001162940.10), dbSNP rs2154175979, ClinGen allele CA2499215388.
Genomic context (GRCh38, chr2:178,580,007, plus strand): 5'-TTGACAGCATCACGAGTTTCACCGGGATCACCAATGCCATACTCATTTTCAGCAAACACT[CG>C]GAAGAAGTAGGATTTTCCCTCCTCCAAATTAGCTACTCTGAAGCTTGTTTTGGAGCACTC-3'